The following is an entry in ClinVar:

ClinVar aggregate classification (germline): Benign/Likely benign. Review status: criteria provided, multiple submitters, no conflicts (2 of 4 stars). 3 submissions from 3 submitters: Benign (1); Likely benign (1). 1 of the submissions does not count toward it. Last evaluated 2025-08-31.

Conditions:
DNAH8-related disorder. Also called: DNAH8-related condition.
Primary ciliary dyskinesia. Also called: Ciliary dyskinesia. Identifiers: Orphanet 244, MedGen C0008780, MONDO:0016575, HP:0012265.

Allele frequency attached by ClinVar (database versions not stated): gnomAD exomes 0.00011 and 0.00026; ExAC 0.00030; 1000 Genomes Project 0.00100; 1000 Genomes Project 30x 0.00109; gnomAD 0.00126 and 0.00140; TOPMed 0.00126; ESP Exome Variant Server 0.00138.
gnomAD v4.1: 349 of 1,613,914 alleles (0.022%); highest among the groups gnomAD compares: African/African-American, 0.41%; no homozygotes.

Submissions (3):

Labcorp Genetics (formerly Invitae), Labcorp
Classification: Benign for Primary ciliary dyskinesia. Last evaluated: 2025-08-31. Review status: criteria provided, single submitter. Criteria: Invitae Variant Classification Sherloc (09022015). Collection method: clinical testing. Allele origin: germline.

Blueprint Genetics
Classification: Likely benign. Last evaluated: 2024-03-01. Review status: criteria provided, single submitter. Criteria: ACMG Guidelines, 2015. Collection method: clinical testing. Allele origin: germline.

PreventionGenetics, part of Exact Sciences
Classification: Likely benign for DNAH8-related condition. Last evaluated: 2023-03-10. Review status: no assertion criteria provided. Collection method: clinical testing. Allele origin: germline. Not counted in ClinVar's aggregate classification.
Comment: This variant is classified as likely benign based on ACMG/AMP sequence variant interpretation guidelines (Richards et al. 2015 PMID: 25741868, with internal and published modifications).

NM_001206927.2(DNAH8):c.10818G>A (p.Thr3606=)

Genes: DNAH8-AS1 (DNAH8 antisense RNA 1; minus strand), DNAH8 (dynein axonemal heavy chain 8; plus strand). Cytogenetic location: 6p21.2.
Variant type: single nucleotide variant.
Coding change: c.10818G>A on transcript NM_001206927.2 (MANE Select); coding-DNA position 10818, G replaced by A.
Protein change: p.Thr3606=; no amino-acid change (threonine 3606 retained).
Molecular consequence: synonymous variant.
Genome position (GRCh38, 1-based): chr6:38,924,018, G>A. VCF-style: chr6-38924018-G-A. GRCh37 (hg19) VCF-style: chr6-38891794-G-A.
Other names: c.10167G>A, p.Thr3389= (NM_001371.4).
Identifiers: ClinVar variation 697373 (VCV000697373.13), dbSNP rs79890174, ClinGen allele CA3790851.
Genomic context (GRCh38, chr6:38,924,018, plus strand): 5'-CTTTGGGGAGGGGGCTGTGTGTTTTCTTCACAGACTTGTAGGTGATATTCTGCTGTGCAC[G>A]GGATTCCTTTCCTACCTTGGTCCTTTCAATCAGATATTTAGGAACTATTTGCTTAAAGAT-3'
Protein context (NP_001193856.1, residues 3596-3616): NRLVGDILLC[Thr3606=]GFLSYLGPFN